The following is an entry in ClinVar:

ClinVar aggregate classification (germline): Uncertain significance (1 of 4 stars; one submission).

Conditions:
Inborn genetic diseases. Identifiers: MedGen C0950123, MeSH D030342.

gnomAD v4.1: 4 of 1,613,288 alleles (0.00025%); highest among the groups gnomAD compares: Non-Finnish European, 0.00034%; no homozygotes.

Submission:

Ambry Genetics
Classification: Uncertain significance for Inborn genetic diseases. Last evaluated: 2025-02-16. Review status: criteria provided, single submitter. Criteria: Ambry Variant Classification Scheme 2023. Collection method: clinical testing. Allele origin: germline.
Comment: The p.S1070N variant (also known as c.3209G>A), located in coding exon 15 of the MECOM gene, results from a G to A substitution at nucleotide position 3209. The serine at codon 1070 is replaced by asparagine, an amino acid with highly similar properties. This amino acid position is conserved. In addition, this alteration is predicted to be tolerated by in silico analysis. Based on the available evidence, the clinical significance of this variant remains unclear.

NM_004991.4(MECOM):c.3209G>A (p.Ser1070Asn)

Gene: MECOM (MDS1 and EVI1 complex locus; minus strand). Cytogenetic location: 3q26.2.
Variant type: single nucleotide variant.
Coding change: c.3209G>A on transcript NM_004991.4 (MANE Select); coding-DNA position 3209, G replaced by A.
Protein change: p.Ser1070Asn; replaces serine 1070 with asparagine.
Molecular consequence: missense variant.
Genome position (GRCh38, 1-based): chr3:169,090,192, C>T on the plus strand (G>A on the coding strand, the complement: MECOM is on the minus strand). VCF-style: chr3-169090192-C-T. GRCh37 (hg19) VCF-style: chr3-168807980-C-T.
Other names: c.2840G>A, p.Ser947Asn (NM_001105077.4); c.2645G>A, p.Ser882Asn (NM_001105078.4, NM_001205194.2, NM_001366469.2 and 1 more transcripts); c.2621G>A, p.Ser874Asn (NM_001163999.2, NM_001366470.2); c.2618G>A, p.Ser873Asn (NM_001164000.2, NM_001366471.2, NM_001366472.2); c.3182G>A, p.Ser1061Asn (NM_001366466.2); c.2648G>A, p.Ser883Asn (NM_001366467.2, NM_001366468.2); c.2210G>A, p.Ser737Asn (NM_001366473.2); c.1646G>A, p.Ser549Asn (NM_001366474.2); short protein forms S549N, S737N, S873N, S882N, S883N, S947N, S1061N, S1070N.
Identifiers: ClinVar variation 3871838 (VCV003871838.1).